The following is an entry in ClinVar:

ClinVar aggregate classification (germline): Uncertain significance (1 of 4 stars; one submission).

Conditions:
Cardiovascular phenotype. Identifiers: MedGen CN230736.

Allele frequency attached by ClinVar (database versions not stated): TOPMed below 0.00001; gnomAD exomes 0.00001.
gnomAD v4.1: 10 of 1,605,438 alleles (0.00062%); highest among the groups gnomAD compares: Non-Finnish European, 0.00085%; no homozygotes.

Submission:

Ambry Genetics
Classification: Uncertain significance for Cardiovascular phenotype. Last evaluated: 2023-12-30. Review status: criteria provided, single submitter. Criteria: Ambry Variant Classification Scheme 2023. Collection method: clinical testing. Allele origin: germline.
Comment: The p.F295Y variant (also known as c.884T>A), located in coding exon 10 of the TECRL gene, results from a T to A substitution at nucleotide position 884. The phenylalanine at codon 295 is replaced by tyrosine, an amino acid with highly similar properties. This amino acid position is conserved. In addition, this alteration is predicted to be tolerated by in silico analysis. Since supporting evidence is limited at this time, the clinical significance of this alteration remains unclear.

NM_001010874.5(TECRL):c.884T>A (p.Phe295Tyr)

Gene: TECRL (trans-2,3-enoyl-CoA reductase like; minus strand). Cytogenetic location: 4q13.1.
Variant type: single nucleotide variant.
Coding change: c.884T>A on transcript NM_001010874.5 (MANE Select); coding-DNA position 884, T replaced by A.
Protein change: p.Phe295Tyr; replaces phenylalanine 295 with tyrosine.
Molecular consequence: missense variant.
Genome position (GRCh38, 1-based): chr4:64,281,508, A>T on the plus strand (T>A on the coding strand, the complement: TECRL is on the minus strand). VCF-style: chr4-64281508-A-T. GRCh37 (hg19) VCF-style: chr4-65147226-A-T.
Other names: c.884T>A, p.Phe295Tyr (NM_001363796.1); short protein forms F295Y.
Identifiers: ClinVar variation 3232353 (VCV003232353.1), dbSNP rs1351503290, ClinGen allele CA357043637.